The following is an entry in ClinVar:

ClinVar aggregate classification (germline): Likely benign (0 of 4 stars; one submission).

Conditions:
LEPR-related disorder. Also called: LEPR-related condition; LEPR-related disorders.

Submission:

PreventionGenetics, part of Exact Sciences
Classification: Likely benign for LEPR-related condition. Last evaluated: 2023-05-17. Review status: no assertion criteria provided. Collection method: clinical testing. Allele origin: germline.
Comment: This variant is classified as likely benign based on ACMG/AMP sequence variant interpretation guidelines (Richards et al. 2015 PMID: 25741868, with internal and published modifications).

NM_002303.6(LEPR):c.371-10_371-8del

Gene: LEPR (leptin receptor; plus strand). Cytogenetic location: 1p31.3.
Variant type: Deletion.
Coding change: c.371-10_371-8del on transcript NM_002303.6 (MANE Select); 10 bases into the intron before coding-DNA position 371 through 8 bases into the intron before coding-DNA position 371, 3 bases deleted (TTA; older notation c.371-10_371-8delTTA).
Molecular consequence: intron variant.
Genome position (GRCh38, 1-based): chr1:65,572,316-65,572,318, TTA deleted. VCF-style (leftmost placement, unchanged base first): chr1-65572315-TTTA-T. GRCh37 (hg19) VCF-style: chr1-66037998-TTTA-T.
Other names: c.371-10_371-8del (NM_001003679.3, NM_001003680.3, NM_001198689.2 and 2 more transcripts).
Identifiers: ClinVar variation 3355802 (VCV003355802.1).